The following is an entry in ClinVar:

NM_001122630.2(CDKN1C):c.39A>G (p.Leu13=)

Gene: CDKN1C (cyclin dependent kinase inhibitor 1C; minus strand). Cytogenetic location: 11p15.4.
Variant type: single nucleotide variant.
Coding change: c.39A>G on transcript NM_001122630.2 (MANE Select); coding-DNA position 39, A replaced by G.
Protein change: p.Leu13=; no amino-acid change (leucine 13 retained).
Molecular consequence: synonymous variant.
Genome position (GRCh38, 1-based): chr11:2,885,418, T>C on the plus strand (A>G on the coding strand, the complement: CDKN1C is on the minus strand). VCF-style: chr11-2885418-T-C. GRCh37 (hg19) VCF-style: chr11-2906648-T-C.
Other names: c.72A>G, p.Leu24= (LRG_533t1, NM_000076.2, NM_001362474.2); c.39A>G, p.Leu13= (NM_001122631.2, NM_001362475.2).
Identifiers: ClinVar variation 236973 (VCV000236973.23), dbSNP rs3852522, ClinGen allele CA5822248.
Genomic context (GRCh38, chr11:2,885,418, plus strand): 5'-GCGGCTCAGCTCCTCGTGGTCCACCGGCCCGAAGAGGCTGCGGCAGGCGCTGGTGCGCAC[T>C]AGTACTGGGAAGGTCCCACGGGCGACAAGACGCTCCATCGTGGATGTGCTGCGGAGGGAC-3'
Protein context (NP_001116102.1, residues 3-23): RLVARGTFPV[Leu13=]VRTSACRSLF

ClinVar aggregate classification (germline): Conflicting classifications of pathogenicity. Review status: criteria provided, conflicting classifications (1 of 4 stars). 5 submissions from 5 submitters: Uncertain significance (1); Benign (1); Likely benign (2). 1 of the submissions does not count toward it. Last evaluated 2026-01-28.

Conditions:
Beckwith-Wiedemann syndrome (BWS). Also called: EMG SYNDROME; Exomphalos macroglossia gigantism syndrome. Identifiers: Orphanet 116, MedGen C0004903, MONDO:0007534, OMIM 130650.

Allele frequency attached by ClinVar (database versions not stated): 1000 Genomes Project 0.00120; 1000 Genomes Project 30x 0.00141; gnomAD exomes 0.00009 and 0.00025; ExAC 0.00048; ESP Exome Variant Server 0.00063; TOPMed 0.00091; gnomAD 0.00092 and 0.00100.

Submissions (5):

Labcorp Genetics (formerly Invitae), Labcorp
Classification: Benign for Beckwith-Wiedemann syndrome. Last evaluated: 2026-01-28. Review status: criteria provided, single submitter. Criteria: Invitae Variant Classification Sherloc (09022015). Collection method: clinical testing. Allele origin: germline.

CeGaT Center for Human Genetics Tuebingen
Classification: Likely benign. Last evaluated: 2025-08-01. Review status: criteria provided, single submitter. Criteria: CeGaT Center For Human Genetics Tuebingen Variant Classification Criteria Version 2. Collection method: clinical testing. Allele origin: germline. Affected: yes. Observed: 1 variant allele.
Comment: CDKN1C: BP4, BP7, BS1

Blueprint Genetics
Classification: Likely benign. Last evaluated: 2024-08-28. Review status: criteria provided, single submitter. Criteria: ACMG Guidelines, 2015. Collection method: clinical testing. Allele origin: germline.

Sema4
Classification: Uncertain significance for Beckwith-Wiedemann syndrome. Last evaluated: 2022-02-07. Review status: criteria provided, single submitter. Criteria: Sema4 Curation Guidelines. Collection method: curation. Allele origin: germline.
Comment: The CDKN1C c.72A>G (p.L24=) variant has not been reported in the literature to our knowledge. It was observed in 59/17346 chromosomes of the African/African American subpopulation, with no homozygotes, in the large and broad cohorts of the Genome Aggregation Database (PMID: 32461654). This variant has been reported in ClinVar (Variation ID 236973). In silico tools suggest that the variant may create a cryptic splicing site, though these predictions have not been confirmed by functional studies. The evidence is insufficient to meet ACMG/AMP criteria for classifying the variant as benign or pathogenic. Thus, the clinical significance of this variant is currently uncertain.

Genetic Services Laboratory, University of Chicago
Classification: Likely benign. Last evaluated: 2022-10-01. Review status: no assertion criteria provided. Collection method: clinical testing. Allele origin: germline. Affected: no. Not counted in ClinVar's aggregate classification.